The following is an entry in ClinVar:

ClinVar aggregate classification (germline): Uncertain significance (1 of 4 stars; one submission).

Conditions:
Cardiovascular phenotype. Identifiers: MedGen CN230736.

Submission:

Ambry Genetics
Classification: Uncertain significance for Cardiovascular phenotype. Last evaluated: 2022-01-18. Review status: criteria provided, single submitter. Criteria: Ambry Variant Classification Scheme 2023. Collection method: clinical testing. Allele origin: germline.
Comment: The p.P2739Q variant (also known as c.8216C>A), located in coding exon 26 of the APOB gene, results from a C to A substitution at nucleotide position 8216. The proline at codon 2739 is replaced by glutamine, an amino acid with similar properties. This alteration has been reported in association with familial hypercholesterolemia (FH) (Alves AC et al. Atherosclerosis, 2018 10;277:448-456). This amino acid position is highly conserved in available vertebrate species. In addition, this alteration is predicted to be tolerated by in silico analysis. Since supporting evidence is limited at this time, the clinical significance of this alteration remains unclear.

Literature cited by the submitters: PubMed 30270084.

NM_000384.3(APOB):c.8216C>A (p.Pro2739Gln)

Gene: APOB (apolipoprotein B; minus strand). Cytogenetic location: 2p24.1.
Variant type: single nucleotide variant.
Coding change: c.8216C>A on transcript NM_000384.3 (MANE Select); coding-DNA position 8216, C replaced by A.
Protein change: p.Pro2739Gln; replaces proline 2739 with glutamine.
Molecular consequence: missense variant.
Genome position (GRCh38, 1-based): chr2:21,008,652, G>T on the plus strand (C>A on the coding strand, the complement: APOB is on the minus strand). VCF-style: chr2-21008652-G-T. GRCh37 (hg19) VCF-style: chr2-21231524-G-T.
Other names: short protein forms P2739Q.
Identifiers: ClinVar variation 1762487 (VCV001762487.2), dbSNP rs676210, ClinGen allele CA43500986.
Genomic context (GRCh38, chr2:21,008,652, plus strand): 5'-TATAGCTTGCCAAAAGTAGGTACTTCAATTGTGTGTGAGATGTGGGGAAGCTGGAATTCT[G>T]GTATGTGAAGGTCAGGAACTTGAAAATCATTAAGGTTGAGAGTTGGGATTATGAATTCTG-3'
Protein context (NP_000375.3, residues 2729-2749): NDFQVPDLHI[Pro2739Gln]EFQLPHISHT